The following is an entry in ClinVar:

ClinVar aggregate classification (germline): Uncertain significance (1 of 4 stars; one submission).

Conditions:
Duchenne muscular dystrophy (DMD). Also called: Duchenne Muscular Dystrophy (DMD); MUSCULAR DYSTROPHY, PSEUDOHYPERTROPHIC PROGRESSIVE, DUCHENNE TYPE. Identifiers: Orphanet 98896, MedGen C0013264, MONDO:0010679, OMIM 310200.

Submission:

Labcorp Genetics (formerly Invitae), Labcorp
Classification: Uncertain significance for Duchenne muscular dystrophy. Last evaluated: 2021-12-23. Review status: criteria provided, single submitter. Criteria: Invitae Variant Classification Sherloc (09022015). Collection method: clinical testing. Allele origin: germline.
Comment: This variant results in a copy number gain of the genomic region encompassing exon(s) 10-27 of the DMD gene. While the exact position of this variant cannot be determined from the data, sub-genic copy number gains are generally in tandem (PMID: 25640679). This variant is predicted to be in-frame, and likely preserves the integrity of the reading frame. This variant has not been reported in the literature in individuals affected with DMD-related conditions. In summary, the available evidence is currently insufficient to determine the role of this variant in disease. Therefore, it has been classified as a Variant of Uncertain Significance.

Literature cited by the submitters: PubMed 25640679.

NC_000023.10:g.(?_32466553)_(32663289_?)dup

Gene: DMD (dystrophin; minus strand). Cytogenetic location: Xp21.1.
Variant type: Duplication.
Identifiers: ClinVar variation 2424949 (VCV002424949.4).